The following is an entry in ClinVar:

ClinVar aggregate classification (germline): Likely benign. Review status: criteria provided, multiple submitters, no conflicts (2 of 4 stars). 2 submissions from 2 submitters: Likely benign (2). Last evaluated 2026-01-26.

Conditions:
Primary dilated cardiomyopathy (DCM). Also called: Dilated Cardiomyopathy. Identifiers: Orphanet 217604, MedGen C0007193, MeSH D002311, MONDO:0005021, HP:0001644. Inheritance: Various modes of inheritance.

Allele frequency attached by ClinVar (database versions not stated): gnomAD 0.00016 and 0.00017; gnomAD exomes 0.00016 and 0.00023; 1000 Genomes Project 30x 0.00031; TOPMed 0.00011; ExAC 0.00013; 1000 Genomes Project 0.00020.
gnomAD v4.1: 365 of 1,606,030 alleles (0.023%); highest among the groups gnomAD compares: Non-Finnish European, 0.025%; no homozygotes.

Submissions (2):

Labcorp Genetics (formerly Invitae), Labcorp
Classification: Likely benign for Primary dilated cardiomyopathy. Last evaluated: 2026-01-26. Review status: criteria provided, single submitter. Criteria: Invitae Variant Classification Sherloc (09022015). Collection method: clinical testing. Allele origin: germline.

GeneDx
Classification: Likely benign. Last evaluated: 2018-05-15. Review status: criteria provided, single submitter. Criteria: GeneDx Variant Classification (06012015). Collection method: clinical testing. Allele origin: germline. Affected: yes.
Comment: This variant is considered likely benign or benign based on one or more of the following criteria: it is a conservative change, it occurs at a poorly conserved position in the protein, it is predicted to be benign by multiple in silico algorithms, and/or has population frequency not consistent with disease.

NM_006440.5(TXNRD2):c.682+15C>T

Gene: TXNRD2 (thioredoxin reductase 2; minus strand). Cytogenetic location: 22q11.21.
Variant type: single nucleotide variant.
Coding change: c.682+15C>T on transcript NM_006440.5 (MANE Select); 15 bases into the intron after coding-DNA position 682, C replaced by T.
Molecular consequence: intron variant.
Genome position (GRCh38, 1-based): chr22:19,899,034, G>A on the plus strand (C>T on the coding strand, the complement: TXNRD2 is on the minus strand). VCF-style: chr22-19899034-G-A. GRCh37 (hg19) VCF-style: chr22-19886557-G-A.
Other names: c.679+15C>T (NM_001352300.2); c.394+15C>T (NM_001352302.2); c.592+15C>T (NM_001352301.2); c.682+15C>T (NM_001282512.3); c.586+15C>T (NM_001352303.2).
Identifiers: ClinVar variation 668364 (VCV000668364.4), dbSNP rs201450101, ClinGen allele CA10104024.